The following is an entry in ClinVar:

ClinVar aggregate classification (germline): Conflicting classifications of pathogenicity. Review status: criteria provided, conflicting classifications (1 of 4 stars). 2 submissions from 2 submitters: Uncertain significance (1); Likely benign (1). Last evaluated 2025-09-24.

Conditions:
TTN-related disorder. Also called: TTN-related condition; TTN-related disease; TTN-related disorders.
Dilated cardiomyopathy 1G (CMD1G). Identifiers: Orphanet 154, MedGen C1858763, MONDO:0011400, OMIM 604145.
Autosomal recessive limb-girdle muscular dystrophy type 2J (LGMDR10). Also called: Limb-girdle muscular dystrophy, type 2J; MUSCULAR DYSTROPHY, LIMB-GIRDLE, AUTOSOMAL RECESSIVE 10. Identifiers: Orphanet 140922, MedGen C1837342, MONDO:0012127, OMIM 608807.

Allele frequency attached by ClinVar (database versions not stated): gnomAD exomes below 0.00001.
gnomAD v4.1: 1 of 1,549,722 alleles (0.000065%); highest among the groups gnomAD compares: Admixed American, 0.002%; no homozygotes.

Submissions (2):

PreventionGenetics, part of Exact Sciences
Classification: Uncertain significance for TTN-related condition. Last evaluated: 2025-09-24. Review status: criteria provided, single submitter. Criteria: ACMG Guidelines, 2015. Collection method: clinical testing. Allele origin: germline.
Comment: The TTN c.40104G>T variant is not predicted to result in an amino acid change (p.=). This variant is predicted to alter splicing based on available splicing prediction programs (SpliceAI, Jaganathan et al. 2019. PubMed ID: 30661751). However, the use of computer prediction programs is not equivalent to functional evidence. To our knowledge, this variant has not been reported in the literature or in a large population database (gnomAD), indicating this variant is rare. At this time, the clinical significance of this variant is uncertain due to the absence of conclusive functional and genetic evidence.

Labcorp Genetics (formerly Invitae), Labcorp
Classification: Likely benign for Dilated cardiomyopathy 1G; Autosomal recessive limb-girdle muscular dystrophy type 2J. Last evaluated: 2024-11-27. Review status: criteria provided, single submitter. Criteria: Invitae Variant Classification Sherloc (09022015). Collection method: clinical testing. Allele origin: germline.

NM_001267550.2(TTN):c.40104G>T (p.Val13368=)

Gene: TTN (titin; minus strand). Cytogenetic location: 2q31.2.
Variant type: single nucleotide variant.
Coding change: c.40104G>T on transcript NM_001267550.2 (MANE Select); coding-DNA position 40104, G replaced by T.
Protein change: p.Val13368=; no amino-acid change (valine 13368 retained).
Molecular consequence: synonymous variant. On other transcripts: intron variant (5).
Genome position (GRCh38, 1-based): chr2:178,647,418, C>A on the plus strand (G>T on the coding strand, the complement: TTN is on the minus strand). VCF-style: chr2-178647418-C-A. GRCh37 (hg19) VCF-style: chr2-179512145-C-A.
Other names: c.13283-5101G>T (NM_003319.4); c.13859-5101G>T (NM_133437.4); c.13658-5101G>T (NM_133432.3); c.32594-1388G>T (NM_133378.4); c.35375-1388G>T (NM_001256850.1).
Identifiers: ClinVar variation 2197748 (VCV002197748.5), dbSNP rs1302487355, ClinGen allele CA430102995.
Genomic context (GRCh38, chr2:178,647,418, plus strand): 5'-AGATTTATGGAGAAGCCGTGTACCTTCAGCAGGTGGAACTTCTGGCTCTGCAGGGATAGG[C>A]ACAGACACTTCCTTTTCTGGGATGATTTTCTCAGGCACTTTGGGCACTTTAAAGATATGA-3'
Protein context (NP_001254479.2, residues 13358-13378): EKIIPEKEVS[Val13368=]PIPAEPEVPP